The following is an entry in ClinVar:

ClinVar aggregate classification (germline): Conflicting classifications of pathogenicity. Review status: criteria provided, conflicting classifications (1 of 4 stars). 6 submissions from 6 submitters: Uncertain significance (4); Likely benign (2). Last evaluated 2025-08-27.

Conditions:
RYR1-related disorder. Also called: RYR1-related disorders; RYR1-related condition. Identifiers: MedGen CN239331.
Malignant hyperthermia, susceptibility to, 1 (MHS1). Also called: Malignant hyperthermia suceptibility 1; Anesthesia related hyperthermia; Malignant hyperpyrexia; Fulminating hyperpyrexia; Pharmacogenic myopathy; RYR1-Related Malignant Hyperthermia Susceptibility. Identifiers: Orphanet 423, MedGen C2930980, MONDO:0007783, OMIM 145600.
Inborn genetic diseases. Identifiers: MedGen C0950123, MeSH D030342.

Allele frequency attached by ClinVar (database versions not stated): ESP Exome Variant Server 0.00023; gnomAD exomes 0.00007; ExAC 0.00010; gnomAD 0.00021 and 0.00022; TOPMed 0.00022.
gnomAD v4.1: 64 of 1,613,810 alleles (0.004%); highest among the groups gnomAD compares: African/African-American, 0.079%; no homozygotes.

Submissions (6):

Ambry Genetics
Classification: Uncertain significance for Inborn genetic diseases. Last evaluated: 2025-08-27. Review status: criteria provided, single submitter. Criteria: Ambry Variant Classification Scheme 2023. Collection method: clinical testing. Allele origin: germline.

Labcorp Genetics (formerly Invitae), Labcorp
Classification: Likely benign for RYR1-related disorder. Last evaluated: 2025-06-25. Review status: criteria provided, single submitter. Criteria: Invitae Variant Classification Sherloc (09022015). Collection method: clinical testing. Allele origin: germline.

GeneDx
Classification: Uncertain significance. Last evaluated: 2025-01-02. Review status: criteria provided, single submitter. Criteria: GeneDx Variant Classification Process June 2021. Collection method: clinical testing. Allele origin: germline. Affected: yes.
Comment: In silico analysis indicates that this missense variant does not alter protein structure/function; Has not been previously published as pathogenic or benign to our knowledge; This variant is associated with the following publications: (PMID: 33767344)

Revvity Omics, Revvity
Classification: Likely benign. Last evaluated: 2024-09-25. Review status: criteria provided, single submitter. Criteria: ACMG Guidelines, 2015. Collection method: clinical testing. Allele origin: germline.

Color Diagnostics, LLC DBA Color Health
Classification: Uncertain significance for Malignant hyperthermia, susceptibility to, 1. Last evaluated: 2023-11-07. Review status: criteria provided, single submitter. Criteria: ACMG Guidelines, 2015. Collection method: clinical testing. Allele origin: germline.
Comment: This missense variant replaces threonine with isoleucine at codon 183 of the RYR1 protein. Computational prediction suggests that this variant may not impact protein structure and function. To our knowledge, functional studies have not been reported for this variant. This variant has not been reported in individuals affected with RYR1-related disorders in the literature. This variant has been identified in 20/281776 chromosomes in the general population by the Genome Aggregation Database (gnomAD). The available evidence is insufficient to determine the role of this variant in disease conclusively. Therefore, this variant is classified as a Variant of Uncertain Significance.

Blueprint Genetics
Classification: Uncertain significance. Last evaluated: 2022-06-07. Review status: criteria provided, single submitter. Criteria: ACMG Guidelines, 2015. Collection method: clinical testing. Allele origin: germline.

NM_000540.3(RYR1):c.548C>T (p.Thr183Ile)

Gene: RYR1 (ryanodine receptor 1; plus strand). Cytogenetic location: 19q13.2.
Variant type: single nucleotide variant.
Coding change: c.548C>T on transcript NM_000540.3 (MANE Select); coding-DNA position 548, C replaced by T.
Protein change: p.Thr183Ile; replaces threonine 183 with isoleucine.
Molecular consequence: missense variant.
Genome position (GRCh38, 1-based): chr19:38,444,594, C>T. VCF-style: chr19-38444594-C-T. GRCh37 (hg19) VCF-style: chr19-38935234-C-T.
Other names: c.548C>T, p.Thr183Ile (NM_001042723.2); short protein forms T183I.
Identifiers: ClinVar variation 478239 (VCV000478239.17), dbSNP rs150038701, ClinGen allele CA067179.